The following is an entry in ClinVar:

ClinVar aggregate classification (germline): Uncertain significance (1 of 4 stars; one submission).

Submission:

CeGaT Center for Human Genetics Tuebingen
Classification: Uncertain significance. Last evaluated: 2024-08-01. Review status: criteria provided, single submitter. Criteria: CeGaT Center For Human Genetics Tuebingen Variant Classification Criteria Version 2. Collection method: clinical testing. Allele origin: germline. Affected: yes. Observed: 1 variant allele.
Comment: ZFHX2: PM2, PP3

NM_033400.3(ZFHX2):c.5680G>A (p.Val1894Met)

Genes: THTPA (thiamine triphosphatase; plus strand), ZFHX2 (zinc finger homeobox 2; minus strand). Cytogenetic location: 14q11.2.
Variant type: single nucleotide variant.
Coding change: c.5680G>A on transcript NM_033400.3 (MANE Select); coding-DNA position 5680, G replaced by A.
Protein change: p.Val1894Met; replaces valine 1894 with methionine.
Molecular consequence: missense variant.
Genome position (GRCh38, 1-based): chr14:23,524,262, C>T on the plus strand (G>A on the coding strand, the complement: ZFHX2 is on the minus strand). VCF-style: chr14-23524262-C-T. GRCh37 (hg19) VCF-style: chr14-23993471-C-T.
Other names: short protein forms V1894M.
Identifiers: ClinVar variation 3342069 (VCV003342069.16).
Genomic context (GRCh38, chr14:23,524,262, plus strand): 5'-TCCTCTCCCGGGCCCTGGTATTCTGGAACCAGACCTGTACCACTCGCTTTTTGAGCCCCA[C>T]CTCCTCGGAGATGCAGTCGAGCATCTTGCGTGTTGGGTTGGAATCCTGCATGTACCAACG-3'
Protein context (NP_207646.2, residues 1884-1904): RKMLDCISEE[Val1894Met]GLKKRVVQVW